The following is an entry in ClinVar:

NM_001035.3(RYR2):c.10936-108G>A

Gene: RYR2 (ryanodine receptor 2; plus strand). Cytogenetic location: 1q43.
Variant type: single nucleotide variant.
Coding change: c.10936-108G>A on transcript NM_001035.3 (MANE Select); 108 bases into the intron before coding-DNA position 10936, G replaced by A.
Molecular consequence: intron variant.
Genome position (GRCh38, 1-based): chr1:237,731,938, G>A. VCF-style: chr1-237731938-G-A. GRCh37 (hg19) VCF-style: chr1-237895238-G-A.
Identifiers: ClinVar variation 675674 (VCV000675674.2), dbSNP rs139571485, ClinGen allele CA39813599.
Genomic context (GRCh38, chr1:237,731,938, plus strand): 5'-AATGCATATAAAATACACACACACACACACACACACACACACCCCACAACAGGGAAGGAG[G>A]AACGTTCGCATTCCTTTTATTCTTCATTGCTGTCCTTCACAGTGCTTTTGGATTTGAGTG-3'

ClinVar aggregate classification (germline): Likely benign. Review status: criteria provided, multiple submitters, no conflicts (2 of 4 stars). 2 submissions from 2 submitters: Likely benign (2). Last evaluated 2018-06-14.

Allele frequency attached by ClinVar (database versions not stated): TOPMed 0.00382; gnomAD 0.00479 and 0.00691; gnomAD exomes 0.01211; 1000 Genomes Project 30x 0.01577; 1000 Genomes Project 0.01777.
gnomAD v4.1: 6,200 of 579,512 alleles (1.1%); highest among the groups gnomAD compares: South Asian, 7%; 164 homozygotes.

Submissions (2):

GeneDx
Classification: Likely benign. Last evaluated: 2018-06-14. Review status: criteria provided, single submitter. Criteria: GeneDx Variant Classification (06012015). Collection method: clinical testing. Allele origin: germline. Affected: yes.
Comment: This variant is considered likely benign or benign based on one or more of the following criteria: it is a conservative change, it occurs at a poorly conserved position in the protein, it is predicted to be benign by multiple in silico algorithms, and/or has population frequency not consistent with disease.

Breakthrough Genomics
Classification: Likely benign. Review status: criteria provided, single submitter. Criteria: ACMG Guidelines, 2015. Collection method: not provided. Allele origin: germline. Inheritance: Autosomal dominant inheritance. Affected: yes.